The following is an entry in ClinVar:

NM_015102.5(NPHP4):c.3389T>G (p.Val1130Gly)

Gene: NPHP4 (nephrocystin 4; minus strand). Cytogenetic location: 1p36.31.
Variant type: single nucleotide variant.
Coding change: c.3389T>G on transcript NM_015102.5 (MANE Select); coding-DNA position 3389, T replaced by G.
Protein change: p.Val1130Gly; replaces valine 1130 with glycine.
Molecular consequence: missense variant. On other transcripts: non-coding transcript variant (1).
Genome position (GRCh38, 1-based): chr1:5,867,823, A>C on the plus strand (T>G on the coding strand, the complement: NPHP4 is on the minus strand). VCF-style: chr1-5867823-A-C. GRCh37 (hg19) VCF-style: chr1-5927883-A-C.
Other names: c.1850T>G, p.Val617Gly (NM_001291593.2); c.1853T>G, p.Val618Gly (NM_001291594.2); short protein forms V1130G, V617G, V618G.
Identifiers: ClinVar variation 1678224 (VCV001678224.6), dbSNP rs752042066, ClinGen allele CA553629.

ClinVar aggregate classification (germline): Uncertain significance. Review status: criteria provided, multiple submitters, no conflicts (2 of 4 stars). 2 submissions from 2 submitters: Uncertain significance (2). Last evaluated 2022-07-30.

Conditions:
Nephronophthisis. Also called: Juvenile Nephronophthisis. Identifiers: Orphanet 655, MedGen C0687120, MONDO:0019005, HP:0000090.

Allele frequency attached by ClinVar (database versions not stated): ExAC 0.00002.
gnomAD v4.1: 4 of 1,613,700 alleles (0.00025%); highest among the groups gnomAD compares: Admixed American, 0.005%; no homozygotes.

Submissions (2):

Labcorp Genetics (formerly Invitae), Labcorp
Classification: Uncertain significance for Nephronophthisis. Last evaluated: 2022-07-30. Review status: criteria provided, single submitter. Criteria: Invitae Variant Classification Sherloc (09022015). Collection method: clinical testing. Allele origin: germline.
Comment: In summary, the available evidence is currently insufficient to determine the role of this variant in disease. Therefore, it has been classified as a Variant of Uncertain Significance. Algorithms developed to predict the effect of missense changes on protein structure and function are either unavailable or do not agree on the potential impact of this missense change (SIFT: "Deleterious"; PolyPhen-2: "Probably Damaging"; Align-GVGD: "Class C0"). ClinVar contains an entry for this variant (Variation ID: 1678224). This variant has not been reported in the literature in individuals affected with NPHP4-related conditions. This variant is present in population databases (rs752042066, gnomAD 0.009%). This sequence change replaces valine, which is neutral and non-polar, with glycine, which is neutral and non-polar, at codon 1130 of the NPHP4 protein (p.Val1130Gly).

AiLife Diagnostics
Classification: Uncertain significance. Last evaluated: 2020-05-11. Review status: criteria provided, single submitter. Criteria: ACMG Guidelines, 2015. Collection method: clinical testing. Allele origin: germline. Affected: yes. Observed: 1 variant allele.